The following is an entry in ClinVar:

ClinVar aggregate classification (germline): Uncertain significance. Review status: criteria provided, multiple submitters, no conflicts (2 of 4 stars). 2 submissions from 2 submitters: Uncertain significance (2). Last evaluated 2024-10-23.

Allele frequency attached by ClinVar (database versions not stated): ExAC 0.00001; gnomAD 0.00001; ESP Exome Variant Server 0.00008.
gnomAD v4.1: 11 of 1,613,990 alleles (0.00068%); highest among the groups gnomAD compares: African/African-American, 0.008%; no homozygotes.

Submissions (2):

Labcorp Genetics (formerly Invitae), Labcorp
Classification: Uncertain significance. Last evaluated: 2024-10-23. Review status: criteria provided, single submitter. Criteria: Invitae Variant Classification Sherloc (09022015). Collection method: clinical testing. Allele origin: germline.
Comment: This sequence change replaces arginine, which is basic and polar, with serine, which is neutral and polar, at codon 677 of the DUOX2 protein (p.Arg677Ser). This variant is present in population databases (rs199896919, gnomAD 0.007%). This missense change has been observed in individual(s) with DUOX2-related conditions (PMID: 33651715). ClinVar contains an entry for this variant (Variation ID: 1437459). Invitae Evidence Modeling of protein sequence and biophysical properties (such as structural, functional, and spatial information, amino acid conservation, physicochemical variation, residue mobility, and thermodynamic stability) indicates that this missense variant is not expected to disrupt DUOX2 protein function with a negative predictive value of 80%. In summary, the available evidence is currently insufficient to determine the role of this variant in disease. Therefore, it has been classified as a Variant of Uncertain Significance.

Blueprint Genetics
Classification: Uncertain significance. Last evaluated: 2024-05-02. Review status: criteria provided, single submitter. Criteria: ACMG Guidelines, 2015. Collection method: clinical testing. Allele origin: germline.

Literature cited by the submitters: PubMed 33651715 (cited by Labcorp Genetics (formerly Invitae), Labcorp).

NM_001363711.2(DUOX2):c.2031G>C (p.Arg677Ser)

Gene: DUOX2 (dual oxidase 2; minus strand). Cytogenetic location: 15q21.1.
Variant type: single nucleotide variant.
Coding change: c.2031G>C on transcript NM_001363711.2 (MANE Select); coding-DNA position 2031, G replaced by C.
Protein change: p.Arg677Ser; replaces arginine 677 with serine.
Molecular consequence: missense variant.
Genome position (GRCh38, 1-based): chr15:45,106,242, C>G on the plus strand (G>C on the coding strand, the complement: DUOX2 is on the minus strand). VCF-style: chr15-45106242-C-G. GRCh37 (hg19) VCF-style: chr15-45398440-C-G.
Other names: c.2031G>C, p.Arg677Ser (NM_014080.5); short protein forms R677S.
Identifiers: ClinVar variation 1437459 (VCV001437459.7), dbSNP rs199896919, ClinGen allele CA7538402.